The following is an entry in ClinVar:

ClinVar aggregate classification (germline): Uncertain significance (1 of 4 stars; one submission).

Conditions:
Fanconi anemia (FA). Also called: Fanconi's anemia. Identifiers: Orphanet 84, MedGen C0015625, MeSH D005199, MONDO:0019391.

Allele frequency attached by ClinVar (database versions not stated): gnomAD exomes below 0.00001.
gnomAD v4.1: 1 of 1,610,010 alleles (0.000062%); highest among the groups gnomAD compares: Non-Finnish European, 0.000085%; no homozygotes.

Submission:

Labcorp Genetics (formerly Invitae), Labcorp
Classification: Uncertain significance for Fanconi anemia. Last evaluated: 2026-02-02. Review status: criteria provided, single submitter. Criteria: Invitae Variant Classification Sherloc (09022015). Collection method: clinical testing. Allele origin: germline.
Comment: This sequence change replaces aspartic acid, which is acidic and polar, with glycine, which is neutral and non-polar, at codon 1440 of the FANCM protein (p.Asp1440Gly). This variant is not present in population databases (gnomAD no frequency). This variant has not been reported in the literature in individuals affected with FANCM-related conditions. ClinVar contains an entry for this variant (Variation ID: 1355305). An algorithm developed to predict the effect of missense changes on protein structure and function (PolyPhen-2) suggests that this variant is likely to be tolerated. In summary, the available evidence is currently insufficient to determine the role of this variant in disease. Therefore, it has been classified as a Variant of Uncertain Significance.

NM_020937.4(FANCM):c.4319A>G (p.Asp1440Gly)

Gene: FANCM (FA complementation group M; plus strand). Cytogenetic location: 14q21.2.
Variant type: single nucleotide variant.
Coding change: c.4319A>G on transcript NM_020937.4 (MANE Select); coding-DNA position 4319, A replaced by G.
Protein change: p.Asp1440Gly; replaces aspartic acid 1440 with glycine.
Molecular consequence: missense variant.
Genome position (GRCh38, 1-based): chr14:45,181,638, A>G. VCF-style: chr14-45181638-A-G. GRCh37 (hg19) VCF-style: chr14-45650841-A-G.
Other names: c.4241A>G, p.Asp1414Gly (NM_001308133.2); short protein forms D1414G, D1440G.
Identifiers: ClinVar variation 1355305 (VCV001355305.8), dbSNP rs2139270979, ClinGen allele CA389607253.